The following is an entry in ClinVar:

ClinVar aggregate classification (germline): Uncertain significance (1 of 4 stars; one submission).

Submission:

Labcorp Genetics (formerly Invitae), Labcorp
Classification: Uncertain significance. Last evaluated: 2022-05-28. Review status: criteria provided, single submitter. Criteria: Invitae Variant Classification Sherloc (09022015). Collection method: clinical testing. Allele origin: germline.
Comment: This sequence change creates a premature translational stop signal (p.Glu544*) in the KCNV2 gene. While this is not anticipated to result in nonsense mediated decay, it is expected to disrupt the last 2 amino acid(s) of the KCNV2 protein. This variant is not present in population databases (gnomAD no frequency). This variant has not been reported in the literature in individuals affected with KCNV2-related conditions. Experimental studies and prediction algorithms are not available or were not evaluated, and the functional significance of this variant is currently unknown. In summary, the available evidence is currently insufficient to determine the role of this variant in disease. Therefore, it has been classified as a Variant of Uncertain Significance.

NM_133497.4(KCNV2):c.1630G>T (p.Glu544Ter)

Gene: KCNV2 (potassium voltage-gated channel modifier subfamily V member 2; plus strand). Cytogenetic location: 9p24.2.
Variant type: single nucleotide variant.
Coding change: c.1630G>T on transcript NM_133497.4 (MANE Select); coding-DNA position 1630, G replaced by T.
Protein change: p.Glu544Ter; replaces glutamic acid 544 with a stop codon.
Molecular consequence: nonsense.
Genome position (GRCh38, 1-based): chr9:2,729,719, G>T. VCF-style: chr9-2729719-G-T. GRCh37 (hg19) VCF-style: chr9-2729719-G-T.
Other names: short protein forms E544*.
Identifiers: ClinVar variation 2000170 (VCV002000170.4), dbSNP rs768225982, ClinGen allele CA372803876.